The following is an entry in ClinVar:

NM_003640.5(ELP1):c.2505C>A (p.Tyr835Ter)

Gene: ELP1 (elongator acetyltransferase complex subunit 1; minus strand). Cytogenetic location: 9q31.3.
Variant type: single nucleotide variant.
Coding change: c.2505C>A on transcript NM_003640.5 (MANE Select); coding-DNA position 2505, C replaced by A.
Protein change: p.Tyr835Ter; replaces tyrosine 835 with a stop codon.
Molecular consequence: nonsense.
Genome position (GRCh38, 1-based): chr9:108,897,035, G>T on the plus strand (C>A on the coding strand, the complement: ELP1 is on the minus strand). VCF-style: chr9-108897035-G-T. GRCh37 (hg19) VCF-style: chr9-111659315-G-T.
Other names: c.2505C>A (LRG_251t1, NM_003640.4); c.2163C>A, p.Tyr721Ter (NM_001318360.2); c.1458C>A, p.Tyr486Ter (NM_001330749.2); short protein forms Y835*, Y486*, Y721*.
Identifiers: ClinVar variation 568263 (VCV000568263.8), dbSNP rs1564084140, ClinGen allele CA374420808.

ClinVar aggregate classification (germline): Pathogenic/Likely pathogenic. Review status: criteria provided, multiple submitters, no conflicts (2 of 4 stars). 2 submissions from 2 submitters: Pathogenic (1); Likely pathogenic (1). Last evaluated 2025-05-12.

Conditions:
Familial dysautonomia. Also called: HSAN III; FD. Identifiers: Orphanet 1764, MedGen C0013364, MONDO:0009131, OMIM 223900. Disease mechanism: loss of function.

Submissions (2):

Natera, Inc.
Classification: Likely pathogenic for Familial dysautonomia. Last evaluated: 2025-05-12. Review status: criteria provided, single submitter. Criteria: Natera Variant Classification Schema (03/2026). Collection method: clinical testing. Allele origin: germline.
Comment: The c.2505C>A variant in ELP1 is a nonsense variant predicted to introduce a stop codon at amino acid 835. This variant is expected to result in nonsense mediated decay, truncation, or a dysfunctional protein product. This variant is rare in the general population with a frequency below the threshold expected for the associated phenotype(s). Given the available evidence, this variant is classified as Likely Pathogenic.

Labcorp Genetics (formerly Invitae), Labcorp
Classification: Pathogenic. Last evaluated: 2023-07-09. Review status: criteria provided, single submitter. Criteria: Invitae Variant Classification Sherloc (09022015). Collection method: clinical testing. Allele origin: germline.
Comment: For these reasons, this variant has been classified as Pathogenic. Algorithms developed to predict the effect of sequence changes on RNA splicing suggest that this variant may disrupt the consensus splice site. ClinVar contains an entry for this variant (Variation ID: 568263). This variant has not been reported in the literature in individuals affected with ELP1-related conditions. This variant is not present in population databases (gnomAD no frequency). This sequence change creates a premature translational stop signal (p.Tyr835*) in the ELP1 gene. It is expected to result in an absent or disrupted protein product. Loss-of-function variants in ELP1 are known to be pathogenic (PMID: 18303054, 24173031).

Literature cited by the submitters: PubMed 18303054 (cited by Labcorp Genetics (formerly Invitae), Labcorp); PubMed 24173031 (cited by Labcorp Genetics (formerly Invitae), Labcorp).